The following is an entry in ClinVar:

NM_006005.3(WFS1):c.862-3C>G

Gene: WFS1 (wolframin ER transmembrane glycoprotein; plus strand). Cytogenetic location: 4p16.1.
Variant type: single nucleotide variant.
Coding change: c.862-3C>G on transcript NM_006005.3 (MANE Select); 3 bases into the intron before coding-DNA position 862, C replaced by G.
Molecular consequence: intron variant.
Genome position (GRCh38, 1-based): chr4:6,300,654, C>G. VCF-style: chr4-6300654-C-G. GRCh37 (hg19) VCF-style: chr4-6302381-C-G.
Other names: c.862-3C>G (NM_001145853.1).
Identifiers: ClinVar variation 1186868 (VCV001186868.20), dbSNP rs201889635, ClinGen allele CA2839131.
Genomic context (GRCh38, chr4:6,300,654, plus strand): 5'-CGTGAGATGGGAGCAGTGGGGGTCCTGTCCCAGCCTCGTTCCCACGTACCATCTTTCCCC[C>G]AGGTGGTCAAGTACCCCCTGCACGCCATCATGGAGATCAAGGAGTACCTGATTGACATGG-3'

ClinVar aggregate classification (germline): Uncertain significance. Review status: criteria provided, multiple submitters, no conflicts (2 of 4 stars). 5 submissions from 5 submitters: Uncertain significance (5). Last evaluated 2024-10-29.

Conditions:
Autosomal dominant nonsyndromic hearing loss 6 (LFSNHL). Also called: Autosomal dominant nonsyndromic deafness 6; DEAFNESS, AUTOSOMAL DOMINANT 14; DEAFNESS, AUTOSOMAL DOMINANT 38; DEAFNESS, AUTOSOMAL DOMINANT 6. Identifiers: Orphanet 90635, MedGen C1833021, MONDO:0010963, OMIM 600965.
Type 2 diabetes mellitus. Also called: Type II diabetes mellitus. Identifiers: MedGen C0011860, MeSH D003924, MONDO:0005148, OMIM 125853, HP:0005978.
Wolfram-like syndrome. Also called: HEARING LOSS, PROGRESSIVE, WITH OPTIC ATROPHY AND/OR IMPAIRED GLUCOSE REGULATION. Identifiers: Orphanet 411590, MedGen C3280358, MONDO:0013673, OMIM 614296.
Wolfram syndrome 1 (WFS1). Identifiers: Orphanet 3463, MedGen C4551693, MONDO:0009101, OMIM 222300.
Cataract 41 (CTRCT41). Also called: CATARACT 41, CONGENITAL NUCLEAR TYPE. Identifiers: Orphanet 91492, Orphanet 98991, Orphanet 98992, Orphanet 98995, MedGen C3805412, MONDO:0007287, OMIM 116400.

Allele frequency attached by ClinVar (database versions not stated): gnomAD exomes 0.00005; gnomAD 0.00006 and 0.00007; TOPMed 0.00006; ExAC 0.00008; ESP Exome Variant Server 0.00015; 1000 Genomes Project 0.00020; 1000 Genomes Project 30x 0.00031.
gnomAD v4.1: 98 of 1,613,918 alleles (0.0061%); highest among the groups gnomAD compares: Non-Finnish European, 0.0075%; no homozygotes.

Submissions (5):

Labcorp Genetics (formerly Invitae), Labcorp
Classification: Uncertain significance. Last evaluated: 2024-10-29. Review status: criteria provided, single submitter. Criteria: Invitae Variant Classification Sherloc (09022015). Collection method: clinical testing. Allele origin: germline.
Comment: This sequence change falls in intron 7 of the WFS1 gene. It does not directly change the encoded amino acid sequence of the WFS1 protein. It affects a nucleotide within the consensus splice site. This variant is present in population databases (rs201889635, gnomAD 0.01%). This variant has not been reported in the literature in individuals affected with WFS1-related conditions. ClinVar contains an entry for this variant (Variation ID: 1186868). Variants that disrupt the consensus splice site are a relatively common cause of aberrant splicing (PMID: 17576681, 9536098). Algorithms developed to predict the effect of sequence changes on RNA splicing suggest that this variant may disrupt the consensus splice site. In summary, the available evidence is currently insufficient to determine the role of this variant in disease. Therefore, it has been classified as a Variant of Uncertain Significance.

GeneDx
Classification: Uncertain significance. Last evaluated: 2024-07-24. Review status: criteria provided, single submitter. Criteria: GeneDx Variant Classification Process June 2021. Collection method: clinical testing. Allele origin: germline. Affected: yes.
Comment: In silico analysis is inconclusive as to whether the variant alters gene splicing. In the absence of RNA/functional studies, the actual effect of this sequence change is unknown.; Has not been previously published as pathogenic or benign to our knowledge

Fulgent Genetics
Classification: Uncertain significance for Cataract 41; Type 2 diabetes mellitus; Wolfram syndrome 1; Autosomal dominant nonsyndromic hearing loss 6; Wolfram-like syndrome. Last evaluated: 2024-06-18. Review status: criteria provided, single submitter. Criteria: ACMG Guidelines, 2015. Collection method: clinical testing. Allele origin: germline.

Blueprint Genetics
Classification: Uncertain significance. Last evaluated: 2022-09-13. Review status: criteria provided, single submitter. Criteria: ACMG Guidelines, 2015. Collection method: clinical testing. Allele origin: germline.

Greenwood Genetic Center Diagnostic Laboratories, Greenwood Genetic Center
Classification: Uncertain significance. Last evaluated: 2021-11-10. Review status: criteria provided, single submitter. Criteria: ACMG Guidelines, 2015. Collection method: clinical testing. Allele origin: germline. Affected: yes.
Comment: PP3, PM2

Literature cited by the submitters: PubMed 17576681 (cited by Labcorp Genetics (formerly Invitae), Labcorp); PubMed 9536098 (cited by Labcorp Genetics (formerly Invitae), Labcorp).